The following is an entry in ClinVar:

NM_014669.5(NUP93):c.1899G>A (p.Lys633=)

Gene: NUP93 (nucleoporin 93; plus strand). Cytogenetic location: 16q13.
Variant type: single nucleotide variant.
Coding change: c.1899G>A on transcript NM_014669.5 (MANE Select); coding-DNA position 1899, G replaced by A.
Protein change: p.Lys633=; no amino-acid change (lysine 633 retained).
Molecular consequence: synonymous variant.
Genome position (GRCh38, 1-based): chr16:56,836,717, G>A. VCF-style: chr16-56836717-G-A. GRCh37 (hg19) VCF-style: chr16-56870629-G-A.
Other names: c.1530G>A, p.Lys510= (NM_001242795.2, NM_001242796.2).
Identifiers: ClinVar variation 2681757 (VCV002681757.2), dbSNP rs2544067585.

ClinVar aggregate classification (germline): Uncertain significance (1 of 4 stars; one submission).

Conditions:
Nephrotic syndrome, type 12 (NPHS12). Identifiers: Orphanet 656, MedGen C4225166, MONDO:0014817, OMIM 616892.

Submission:

Precision Medicine Center, Zhengzhou University
Classification: Uncertain significance for Nephrotic syndrome, type 12. Last evaluated: 2023-12-01. Review status: criteria provided, single submitter. Criteria: ACMG Guidelines, 2015. Collection method: clinical testing. Allele origin: maternal. Affected: yes.
Comment: PM2_p